The following is an entry in ClinVar:

NM_000271.5(NPC1):c.2779G>A (p.Ala927Thr)

Gene: NPC1 (NPC intracellular cholesterol transporter 1; minus strand). Cytogenetic location: 18q11.2.
Variant type: single nucleotide variant.
Coding change: c.2779G>A on transcript NM_000271.5 (MANE Select); coding-DNA position 2779, G replaced by A.
Protein change: p.Ala927Thr; replaces alanine 927 with threonine.
Molecular consequence: missense variant.
Genome position (GRCh38, 1-based): chr18:23,539,827, C>T on the plus strand (G>A on the coding strand, the complement: NPC1 is on the minus strand). VCF-style: chr18-23539827-C-T. GRCh37 (hg19) VCF-style: chr18-21119791-C-T.
Other names: short protein forms A927T.
Identifiers: ClinVar variation 2751556 (VCV002751556.3), dbSNP rs2511213197, ClinGen allele CA401792659.
Genomic context (GRCh38, chr18:23,539,827, plus strand): 5'-GCCTCCTCCGCTGCTTCTGAAGTACAAGACAAGGTGGTACTGACTAGTTGTCCAGCTGCG[C>T]CGCGTTAAATATCTGCTGCACCAGGGAATCATTGTTGCAGCCCATGCCGCCGCACACCAT-3'
Protein context (NP_000262.2, residues 917-937): DSLVQQIFNA[Ala927Thr]QLDNYTRIGF

ClinVar aggregate classification (germline): Uncertain significance (1 of 4 stars; one submission).

Conditions:
Niemann-Pick disease, type C1. Also called: NIEMANN-PICK DISEASE, VARIANT TYPE C1; NEUROVISCERAL STORAGE DISEASE WITH VERTICAL SUPRANUCLEAR OPHTHALMOPLEGIA; NIEMANN-PICK DISEASE WITH CHOLESTEROL ESTERIFICATION BLOCK; NIEMANN-PICK DISEASE WITHOUT SPHINGOMYELINASE DEFICIENCY; NIEMANN-PICK DISEASE, CHRONIC NEURONOPATHIC FORM. Identifiers: Orphanet 646, MedGen C3179455, MONDO:0009757, OMIM 257220.

Allele frequency attached by ClinVar (database versions not stated): gnomAD exomes below 0.00001.
gnomAD v4.1: 1 of 1,614,156 alleles (0.000062%); highest among the groups gnomAD compares: Non-Finnish European, 0.000085%; no homozygotes.

Submission:

Labcorp Genetics (formerly Invitae), Labcorp
Classification: Uncertain significance for Niemann-Pick disease, type C1. Last evaluated: 2023-10-13. Review status: criteria provided, single submitter. Criteria: Invitae Variant Classification Sherloc (09022015). Collection method: clinical testing. Allele origin: germline.
Comment: This sequence change replaces alanine, which is neutral and non-polar, with threonine, which is neutral and polar, at codon 927 of the NPC1 protein (p.Ala927Thr). This variant is not present in population databases (gnomAD no frequency). This variant has not been reported in the literature in individuals affected with NPC1-related conditions. Advanced modeling of protein sequence and biophysical properties (such as structural, functional, and spatial information, amino acid conservation, physicochemical variation, residue mobility, and thermodynamic stability) has been performed at Invitae for this missense variant, however the output from this modeling did not meet the statistical confidence thresholds required to predict the impact of this variant on NPC1 protein function. This variant disrupts the p.Ala927 amino acid residue in NPC1. Other variant(s) that disrupt this residue have been determined to be pathogenic (PMID: 11545687, 27366019, 27549128). This suggests that this residue is clinically significant, and that variants that disrupt this residue are likely to be disease-causing. In summary, the available evidence is currently insufficient to determine the role of this variant in disease. Therefore, it has been classified as a Variant of Uncertain Significance.

Literature cited by the submitters: PubMed 11545687; PubMed 27366019; PubMed 27549128.